The following is an entry in ClinVar:

ClinVar aggregate classification (germline): Uncertain significance. Review status: criteria provided, multiple submitters, no conflicts (2 of 4 stars). 2 submissions from 2 submitters: Uncertain significance (2). Last evaluated 2025-05-06.

Allele frequency attached by ClinVar (database versions not stated): gnomAD exomes 0.00001; TOPMed 0.00001.
gnomAD v4.1: 15 of 1,607,890 alleles (0.00093%); highest among the groups gnomAD compares: Admixed American, 0.0085%; no homozygotes.

Submissions (2):

Ambry Genetics
Classification: Uncertain significance. Last evaluated: 2025-05-06. Review status: criteria provided, single submitter. Criteria: Ambry Variant Classification Scheme 2023. Collection method: clinical testing. Allele origin: germline.

Labcorp Genetics (formerly Invitae), Labcorp
Classification: Uncertain significance. Last evaluated: 2024-12-02. Review status: criteria provided, single submitter. Criteria: Invitae Variant Classification Sherloc (09022015). Collection method: clinical testing. Allele origin: germline.
Comment: This sequence change replaces glutamic acid, which is acidic and polar, with lysine, which is basic and polar, at codon 1932 of the MYH7B protein (p.Glu1932Lys). This variant is present in population databases (no rsID available, gnomAD 0.009%). This variant has not been reported in the literature in individuals affected with MYH7B-related conditions. ClinVar contains an entry for this variant (Variation ID: 2722297). Invitae Evidence Modeling of protein sequence and biophysical properties (such as structural, functional, and spatial information, amino acid conservation, physicochemical variation, residue mobility, and thermodynamic stability) indicates that this missense variant is expected to disrupt MYH7B protein function with a positive predictive value of 80%. In summary, the available evidence is currently insufficient to determine the role of this variant in disease. Therefore, it has been classified as a Variant of Uncertain Significance.

NM_020884.7(MYH7B):c.5668G>A (p.Glu1890Lys)

Gene: MYH7B (myosin heavy chain 7B; plus strand). Cytogenetic location: 20q11.22.
Variant type: single nucleotide variant.
Coding change: c.5668G>A on transcript NM_020884.7 (MANE Select); coding-DNA position 5668, G replaced by A.
Protein change: p.Glu1890Lys; replaces glutamic acid 1890 with lysine.
Molecular consequence: missense variant.
Genome position (GRCh38, 1-based): chr20:35,001,518, G>A. VCF-style: chr20-35001518-G-A. GRCh37 (hg19) VCF-style: chr20-33589321-G-A.
Other names: c.5794G>A (NM_020884.3); short protein forms E1890K.
Identifiers: ClinVar variation 2722297 (VCV002722297.4), dbSNP rs553792188, ClinGen allele CA408720403.